The following is an entry in ClinVar:

NM_012318.3(LETM1):c.577C>T (p.Arg193Cys)

Gene: LETM1 (leucine zipper and EF-hand containing transmembrane protein 1; minus strand). Cytogenetic location: 4p16.3.
Variant type: single nucleotide variant.
Coding change: c.577C>T on transcript NM_012318.3 (MANE Select); coding-DNA position 577, C replaced by T.
Protein change: p.Arg193Cys; replaces arginine 193 with cysteine.
Molecular consequence: missense variant.
Genome position (GRCh38, 1-based): chr4:1,841,364, G>A on the plus strand (C>T on the coding strand, the complement: LETM1 is on the minus strand). VCF-style: chr4-1841364-G-A. GRCh37 (hg19) VCF-style: chr4-1843091-G-A.
Other names: short protein forms R193C.
Identifiers: ClinVar variation 1924816 (VCV001924816.5), dbSNP rs918217787, ClinGen allele CA91280021.

ClinVar aggregate classification (germline): Uncertain significance (1 of 4 stars; one submission).

Allele frequency attached by ClinVar (database versions not stated): TOPMed below 0.00001; gnomAD 0.00001.

Submission:

Labcorp Genetics (formerly Invitae), Labcorp
Classification: Uncertain significance. Last evaluated: 2025-10-27. Review status: criteria provided, single submitter. Criteria: Invitae Variant Classification Sherloc (09022015). Collection method: clinical testing. Allele origin: germline.
Comment: This sequence change replaces arginine, which is basic and polar, with cysteine, which is neutral and slightly polar, at codon 193 of the LETM1 protein (p.Arg193Cys). This variant is not present in population databases (gnomAD no frequency). This variant has not been reported in the literature in individuals affected with LETM1-related conditions. ClinVar contains an entry for this variant (Variation ID: 1924816). An algorithm developed to predict the effect of missense changes on protein structure and function (PolyPhen-2) suggests that this variant is likely to be disruptive. In summary, the available evidence is currently insufficient to determine the role of this variant in disease. Therefore, it has been classified as a Variant of Uncertain Significance.